The following is an entry in ClinVar:

ClinVar aggregate classification (germline): Benign/Likely benign. Review status: criteria provided, multiple submitters, no conflicts (2 of 4 stars). 4 submissions from 4 submitters: Benign (2); Likely benign (2). Last evaluated 2026-08-01.

Allele frequency attached by ClinVar (database versions not stated): 1000 Genomes Project 30x 0.00125; 1000 Genomes Project 0.00140; gnomAD exomes 0.00160 and 0.00272; ESP Exome Variant Server 0.00162; TOPMed 0.00167; ExAC 0.00176; gnomAD 0.00197 and 0.00202.
gnomAD v4.1: 4,229 of 1,613,968 alleles (0.26%); highest among the groups gnomAD compares: Non-Finnish European, 0.33%; 6 homozygotes.

Submissions (4):

CeGaT Center for Human Genetics Tuebingen
Classification: Likely benign. Last evaluated: 2026-08-01. Review status: criteria provided, single submitter. Criteria: CeGaT Center For Human Genetics Tuebingen Variant Classification Criteria Version 2. Collection method: clinical testing. Allele origin: germline. Affected: yes. Observed: 19 variant alleles.
Comment: DMXL2: BP4, BP7

Labcorp Genetics (formerly Invitae), Labcorp
Classification: Benign. Last evaluated: 2026-02-02. Review status: criteria provided, single submitter. Criteria: Invitae Variant Classification Sherloc (09022015). Collection method: clinical testing. Allele origin: germline.

ARUP Laboratories, Molecular Genetics and Genomics, ARUP Laboratories
Classification: Benign. Last evaluated: 2025-04-18. Review status: criteria provided, single submitter. Criteria: ARUP Molecular Germline Variant Investigation Process 2024. Collection method: clinical testing. Allele origin: germline.

Blueprint Genetics
Classification: Likely benign. Last evaluated: 2024-10-04. Review status: criteria provided, single submitter. Criteria: ACMG Guidelines, 2015. Collection method: clinical testing. Allele origin: germline.

NM_001378457.1(DMXL2):c.2055A>C (p.Ser685=)

Gene: DMXL2 (Dmx like 2; minus strand). Cytogenetic location: 15q21.2.
Variant type: single nucleotide variant.
Coding change: c.2055A>C on transcript NM_001378457.1 (MANE Select); coding-DNA position 2055, A replaced by C.
Protein change: p.Ser685=; no amino-acid change (serine 685 retained).
Molecular consequence: synonymous variant. On other transcripts: non-coding transcript variant (2).
Genome position (GRCh38, 1-based): chr15:51,536,425, T>G on the plus strand (A>C on the coding strand, the complement: DMXL2 is on the minus strand). VCF-style: chr15-51536425-T-G. GRCh37 (hg19) VCF-style: chr15-51828622-T-G.
Other names: c.2055A>C, p.Ser685= (NM_001174116.3, NM_001174117.3, NM_001378458.1 and 6 more transcripts); c.1815A>C, p.Ser605= (NM_001378464.1).
Identifiers: ClinVar variation 777697 (VCV000777697.40), dbSNP rs141558477, ClinGen allele CA7562463.